The following is an entry in ClinVar:

NM_004693.3(KRT75):c.997C>T (p.Arg333Cys)

Gene: KRT75 (keratin 75; minus strand). Cytogenetic location: 12q13.13.
Variant type: single nucleotide variant.
Coding change: c.997C>T on transcript NM_004693.3 (MANE Select); coding-DNA position 997, C replaced by T.
Protein change: p.Arg333Cys; replaces arginine 333 with cysteine.
Molecular consequence: missense variant.
Genome position (GRCh38, 1-based): chr12:52,430,579, G>A on the plus strand (C>T on the coding strand, the complement: KRT75 is on the minus strand). VCF-style: chr12-52430579-G-A. GRCh37 (hg19) VCF-style: chr12-52824363-G-A.
Other names: short protein forms R333C.
Identifiers: ClinVar variation 3049320 (VCV003049320.3), dbSNP rs2232396, ClinGen allele CA6579934.

ClinVar aggregate classification (germline): Likely benign. Review status: criteria provided, single submitter (1 of 4 stars). 2 submissions from 2 submitters: Likely benign (1). 1 of the submissions does not count toward it. Last evaluated 2024-11-18.

Conditions:
KRT75-related disorder. Also called: KRT75-related condition.

Allele frequency attached by ClinVar (database versions not stated): 1000 Genomes Project 0.00080; 1000 Genomes Project 30x 0.00125; gnomAD 0.00183; ESP Exome Variant Server 0.00269.
gnomAD v4.1: 4,581 of 1,614,112 alleles (0.28%); highest among the groups gnomAD compares: Non-Finnish European, 0.36%; 6 homozygotes.

Submissions (2):

Blueprint Genetics
Classification: Likely benign. Last evaluated: 2024-11-18. Review status: criteria provided, single submitter. Criteria: ACMG Guidelines, 2015. Collection method: clinical testing. Allele origin: germline.

PreventionGenetics, part of Exact Sciences
Classification: Likely benign for KRT75-related condition. Last evaluated: 2022-02-15. Review status: no assertion criteria provided. Collection method: clinical testing. Allele origin: germline. Not counted in ClinVar's aggregate classification.
Comment: This variant is classified as likely benign based on ACMG/AMP sequence variant interpretation guidelines (Richards et al. 2015 PMID: 25741868, with internal and published modifications).